The following is an entry in ClinVar:

NM_199420.4(POLQ):c.6425A>G (p.Lys2142Arg)

Gene: POLQ (DNA polymerase theta; minus strand). Cytogenetic location: 3q13.33.
Variant type: single nucleotide variant.
Coding change: c.6425A>G on transcript NM_199420.4 (MANE Select); coding-DNA position 6425, A replaced by G.
Protein change: p.Lys2142Arg; replaces lysine 2142 with arginine.
Molecular consequence: missense variant.
Genome position (GRCh38, 1-based): chr3:121,473,468, T>C on the plus strand (A>G on the coding strand, the complement: POLQ is on the minus strand). VCF-style: chr3-121473468-T-C. GRCh37 (hg19) VCF-style: chr3-121192315-T-C.
Other names: short protein forms K2142R.
Identifiers: ClinVar variation 2561732 (VCV002561732.2), dbSNP rs1183015413, ClinGen allele CA354086183.

ClinVar aggregate classification (germline): Uncertain significance (1 of 4 stars; one submission).

Allele frequency attached by ClinVar (database versions not stated): gnomAD exomes below 0.00001.
gnomAD v4.1: 3 of 1,612,664 alleles (0.00019%); highest among the groups gnomAD compares: East Asian, 0.0022%; no homozygotes.

Submission:

Ambry Genetics
Classification: Uncertain significance. Last evaluated: 2023-05-15. Review status: criteria provided, single submitter. Criteria: Ambry Variant Classification Scheme 2023. Collection method: clinical testing. Allele origin: germline.
Comment: The p.K2142R variant (also known as c.6425A>G), located in coding exon 21 of the POLQ gene, results from an A to G substitution at nucleotide position 6425. The lysine at codon 2142 is replaced by arginine, an amino acid with highly similar properties. This amino acid position is conserved. In addition, this alteration is predicted to be tolerated by in silico analysis. Since supporting evidence is limited at this time, the clinical significance of this alteration remains unclear.